The following is an entry in ClinVar:

ClinVar aggregate classification (germline): Uncertain significance (1 of 4 stars; one submission).

gnomAD v4.1: 5 of 1,194,975 alleles (0.00042%); highest among the groups gnomAD compares: African/African-American, 0.0035%; no homozygotes.

Submission:

Labcorp Genetics (formerly Invitae), Labcorp
Classification: Uncertain significance. Last evaluated: 2024-05-15. Review status: criteria provided, single submitter. Criteria: Invitae Variant Classification Sherloc (09022015). Collection method: clinical testing. Allele origin: germline.
Comment: This sequence change replaces glycine, which is neutral and non-polar, with cysteine, which is neutral and slightly polar, at codon 455 of the STAG2 protein (p.Gly455Cys). This variant is not present in population databases (gnomAD no frequency). This variant has not been reported in the literature in individuals affected with STAG2-related conditions. ClinVar contains an entry for this variant (Variation ID: 1392112). Advanced modeling of protein sequence and biophysical properties (such as structural, functional, and spatial information, amino acid conservation, physicochemical variation, residue mobility, and thermodynamic stability) performed at Invitae indicates that this missense variant is not expected to disrupt STAG2 protein function with a negative predictive value of 80%. In summary, the available evidence is currently insufficient to determine the role of this variant in disease. Therefore, it has been classified as a Variant of Uncertain Significance.

NM_001042750.2(STAG2):c.1363G>T (p.Gly455Cys)

Gene: STAG2 (STAG2 cohesin complex component; plus strand). Cytogenetic location: Xq25.
Variant type: single nucleotide variant.
Coding change: c.1363G>T on transcript NM_001042750.2 (MANE Select); coding-DNA position 1363, G replaced by T.
Protein change: p.Gly455Cys; replaces glycine 455 with cysteine.
Molecular consequence: missense variant.
Genome position (GRCh38, 1-based): chrX:124,057,924, G>T. VCF-style: chrX-124057924-G-T. GRCh37 (hg19) VCF-style: chrX-123191774-G-T.
Other names: c.1363G>T, p.Gly455Cys (NM_001042749.2, NM_001042751.2, NM_001282418.2 and 13 more transcripts); short protein forms G455C.
Identifiers: ClinVar variation 1392112 (VCV001392112.8), dbSNP rs2148279815, ClinGen allele CA414278584.